The following is an entry in ClinVar:

NM_006904.7(PRKDC):c.7652A>T (p.Glu2551Val)

Gene: PRKDC (protein kinase, DNA-activated, catalytic subunit; minus strand). Cytogenetic location: 8q11.21.
Variant type: single nucleotide variant.
Coding change: c.7652A>T on transcript NM_006904.7 (MANE Select); coding-DNA position 7652, A replaced by T.
Protein change: p.Glu2551Val; replaces glutamic acid 2551 with valine.
Molecular consequence: missense variant.
Genome position (GRCh38, 1-based): chr8:47,837,321, T>A on the plus strand (A>T on the coding strand, the complement: PRKDC is on the minus strand). VCF-style: chr8-47837321-T-A. GRCh37 (hg19) VCF-style: chr8-48749882-T-A.
Other names: c.7652A>T, p.Glu2551Val (NM_001081640.2); short protein forms E2551V.
Identifiers: ClinVar variation 945929 (VCV000945929.5), dbSNP rs2088048731, ClinGen allele CA371152991.

ClinVar aggregate classification (germline): Uncertain significance (1 of 4 stars; one submission).

Conditions:
Severe combined immunodeficiency due to DNA-PKcs deficiency. Also called: IMMUNODEFICIENCY 26 WITH NEUROLOGIC ABNORMALITIES; Immunodeficiency 26 with or without neurologic abnormalities. Identifiers: Orphanet 317425, MedGen C4014833, MONDO:0014423, OMIM 615966.

gnomAD v4.1: 1 of 1,613,376 alleles (0.000062%); no homozygotes.

Submission:

Labcorp Genetics (formerly Invitae), Labcorp
Classification: Uncertain significance for Severe combined immunodeficiency due to DNA-PKcs deficiency. Last evaluated: 2022-07-19. Review status: criteria provided, single submitter. Criteria: Invitae Variant Classification Sherloc (09022015). Collection method: clinical testing. Allele origin: germline.
Comment: ClinVar contains an entry for this variant (Variation ID: 945929). In summary, the available evidence is currently insufficient to determine the role of this variant in disease. Therefore, it has been classified as a Variant of Uncertain Significance. This variant has not been reported in the literature in individuals affected with PRKDC-related conditions. This variant is not present in population databases (gnomAD no frequency). This sequence change replaces glutamic acid, which is acidic and polar, with valine, which is neutral and non-polar, at codon 2551 of the PRKDC protein (p.Glu2551Val).